The following is an entry in ClinVar:

NM_000038.6(APC):c.3616A>G (p.Ser1206Gly)

Gene: APC (APC regulator of Wnt signaling pathway; plus strand). Cytogenetic location: 5q22.2.
Variant type: single nucleotide variant.
Coding change: c.3616A>G on transcript NM_000038.6 (MANE Select); coding-DNA position 3616, A replaced by G.
Protein change: p.Ser1206Gly; replaces serine 1206 with glycine.
Molecular consequence: missense variant.
Genome position (GRCh38, 1-based): chr5:112,839,210, A>G. VCF-style: chr5-112839210-A-G. GRCh37 (hg19) VCF-style: chr5-112174907-A-G.
Other names: c.3616A>G, p.Ser1206Gly (NM_001127510.3, NM_001354895.2); c.3562A>G, p.Ser1188Gly (NM_001127511.3); c.3670A>G, p.Ser1224Gly (NM_001354896.2); c.3646A>G, p.Ser1216Gly (NM_001354897.2); c.3541A>G, p.Ser1181Gly (NM_001354898.2); c.3532A>G, p.Ser1178Gly (NM_001354899.2); c.3493A>G, p.Ser1165Gly (NM_001354900.2); c.3439A>G, p.Ser1147Gly (NM_001354901.2); and 5 more; short protein forms S1188G, S1206G, S1080G, S1115G, S1216G, S923G, S1178G, S1224G.
Identifiers: ClinVar variation 469928 (VCV000469928.14), dbSNP rs901866497, ClinGen allele CA16029274.

ClinVar aggregate classification (germline): Uncertain significance. Review status: criteria provided, multiple submitters, no conflicts (2 of 4 stars). 2 submissions from 2 submitters: Uncertain significance (2). Last evaluated 2022-05-19.

Conditions:
Hereditary cancer-predisposing syndrome. Also called: Hereditary neoplastic syndrome; Neoplastic Syndromes, Hereditary; Tumor predisposition; Hereditary Cancer Syndrome. Identifiers: Orphanet 140162, MedGen C0027672, MeSH D009386, MONDO:0015356.
Familial adenomatous polyposis 1 (FAP1). Also called: POLYPOSIS, ADENOMATOUS INTESTINAL; FAMILIAL ADENOMATOUS POLYPOSIS 1, ATTENUATED. Identifiers: MedGen C2713442, MONDO:0021056, OMIM 175100. Disease mechanism: loss of function.

Allele frequency attached by ClinVar (database versions not stated): gnomAD exomes below 0.00001; TOPMed 0.00002.
gnomAD v4.1: 1 of 1,614,212 alleles (0.000062%); highest among the groups gnomAD compares: African/African-American, 0.0013%; no homozygotes.

Submissions (2):

Labcorp Genetics (formerly Invitae), Labcorp
Classification: Uncertain significance for Familial adenomatous polyposis 1. Last evaluated: 2022-05-19. Review status: criteria provided, single submitter. Criteria: Invitae Variant Classification Sherloc (09022015). Collection method: clinical testing. Allele origin: germline.
Comment: This sequence change replaces serine, which is neutral and polar, with glycine, which is neutral and non-polar, at codon 1206 of the APC protein (p.Ser1206Gly). This variant has not been reported in the literature in individuals affected with APC-related conditions. This variant is not present in population databases (gnomAD no frequency). Algorithms developed to predict the effect of missense changes on protein structure and function are either unavailable or do not agree on the potential impact of this missense change (SIFT: "Deleterious"; PolyPhen-2: "Benign"; Align-GVGD: "Class C0"). ClinVar contains an entry for this variant (Variation ID: 469928). In summary, the available evidence is currently insufficient to determine the role of this variant in disease. Therefore, it has been classified as a Variant of Uncertain Significance.

Ambry Genetics
Classification: Uncertain significance for Hereditary cancer-predisposing syndrome. Last evaluated: 2018-07-10. Review status: criteria provided, single submitter. Criteria: Ambry Variant Classification Scheme 2023. Collection method: clinical testing. Allele origin: germline.
Comment: The p.S1206G variant (also known as c.3616A>G), located in coding exon 15 of the APC gene, results from an A to G substitution at nucleotide position 3616. The serine at codon 1206 is replaced by glycine, an amino acid with similar properties. This amino acid position is poorly conserved in available vertebrate species. In addition, in silico predictors for this gene do not accurately predict pathogenicity. Since supporting evidence is limited at this time, the clinical significance of this alteration remains unclear.